The following is an entry in ClinVar:

ClinVar aggregate classification (germline): Likely pathogenic (1 of 4 stars; one submission).

Submission:

Labcorp Genetics (formerly Invitae), Labcorp
Classification: Likely pathogenic. Last evaluated: 2021-12-25. Review status: criteria provided, single submitter. Criteria: Invitae Variant Classification Sherloc (09022015). Collection method: clinical testing. Allele origin: germline.
Comment: Algorithms developed to predict the effect of sequence changes on RNA splicing suggest that this variant may disrupt the consensus splice site. In summary, the currently available evidence indicates that the variant is pathogenic, but additional data are needed to prove that conclusively. Therefore, this variant has been classified as Likely Pathogenic. Disruption of this splice site has been observed in individual(s) with hereditary spherocytosis (PMID: 32436265). This variant is not present in population databases (gnomAD no frequency). This sequence change affects a donor splice site in intron 36 of the ANK1 gene. It is expected to disrupt RNA splicing. Variants that disrupt the donor or acceptor splice site typically lead to a loss of protein function (PMID: 16199547), and loss-of-function variants in ANK1 are known to be pathogenic (PMID: 8640229).

Literature cited by the submitters: PubMed 32436265; PubMed 16199547; PubMed 8640229.

NM_000037.4(ANK1):c.4390+1G>C

Gene: ANK1 (ankyrin 1; minus strand). Cytogenetic location: 8p11.21.
Variant type: single nucleotide variant.
Coding change: c.4390+1G>C on transcript NM_000037.4 (MANE Select); the canonical splice donor site of the intron after coding-DNA position 4390, G replaced by C.
Molecular consequence: splice donor variant.
Genome position (GRCh38, 1-based): chr8:41,686,151, C>G on the plus strand (G>C on the coding strand, the complement: ANK1 is on the minus strand). VCF-style: chr8-41686151-C-G. GRCh37 (hg19) VCF-style: chr8-41543669-C-G.
Other names: c.4513+1G>C (NM_001142446.2); c.4390+1G>C (NM_020477.3, NM_020475.3, NM_020476.3).
Identifiers: ClinVar variation 1973869 (VCV001973869.5), dbSNP rs2150580336, ClinGen allele CA371057288.